The following is an entry in ClinVar:

NM_182493.3(MYLK3):c.505G>A (p.Gly169Arg)

Gene: MYLK3 (myosin light chain kinase 3; minus strand). Cytogenetic location: 16q11.2.
Variant type: single nucleotide variant.
Coding change: c.505G>A on transcript NM_182493.3 (MANE Select); coding-DNA position 505, G replaced by A.
Protein change: p.Gly169Arg; replaces glycine 169 with arginine.
Molecular consequence: missense variant. On other transcripts: 5 prime UTR variant (1).
Genome position (GRCh38, 1-based): chr16:46,740,120, C>T on the plus strand (G>A on the coding strand, the complement: MYLK3 is on the minus strand). VCF-style: chr16-46740120-C-T. GRCh37 (hg19) VCF-style: chr16-46774032-C-T.
Other names: c.505G>A (NM_182493.2); c.-86G>A (NM_001308301.1); short protein forms G169R.
Identifiers: ClinVar variation 1982024 (VCV001982024.5), dbSNP rs766842779, ClinGen allele CA8038225.
Genomic context (GRCh38, chr16:46,740,120, plus strand): 5'-CCCCAGGCTCCCTGGCATCAGACTGCACCCCACTGGTGCTCAGCACATGCTTTGGTTTTC[C>T]TCCCTCTTCTTCCACTCGCTCTTTATTCTAAAATAACAACCATAAAAAATGTCATCATTA-3'
Protein context (NP_872299.2, residues 159-179): ENKERVEEEG[Gly169Arg]KPKHVLSTSG

ClinVar aggregate classification (germline): Uncertain significance. Review status: criteria provided, multiple submitters, no conflicts (2 of 4 stars). 2 submissions from 2 submitters: Uncertain significance (2). Last evaluated 2026-01-05.

Allele frequency attached by ClinVar (database versions not stated): gnomAD 0.00001; gnomAD exomes 0.00001; TOPMed 0.00003; ExAC 0.00005.
gnomAD v4.1: 9 of 1,613,688 alleles (0.00056%); highest among the groups gnomAD compares: Admixed American, 0.015%; no homozygotes.

Submissions (2):

Labcorp Genetics (formerly Invitae), Labcorp
Classification: Uncertain significance. Last evaluated: 2026-01-05. Review status: criteria provided, single submitter. Criteria: Invitae Variant Classification Sherloc (09022015). Collection method: clinical testing. Allele origin: germline.
Comment: This sequence change replaces glycine, which is neutral and non-polar, with arginine, which is basic and polar, at codon 169 of the MYLK3 protein (p.Gly169Arg). This variant is present in population databases (rs766842779, gnomAD 0.03%). This variant has not been reported in the literature in individuals affected with MYLK3-related conditions. ClinVar contains an entry for this variant (Variation ID: 1982024). An algorithm developed to predict the effect of missense changes on protein structure and function (PolyPhen-2) suggests that this variant is likely to be tolerated. In summary, the available evidence is currently insufficient to determine the role of this variant in disease. Therefore, it has been classified as a Variant of Uncertain Significance.

Ambry Genetics
Classification: Uncertain significance. Last evaluated: 2024-08-27. Review status: criteria provided, single submitter. Criteria: Ambry Variant Classification Scheme 2023. Collection method: clinical testing. Allele origin: germline.